The following is an entry in ClinVar:

NM_031407.7(HUWE1):c.10915+1G>A

Gene: HUWE1 (HECT, UBA and WWE domain containing E3 ubiquitin protein ligase 1; minus strand). Cytogenetic location: Xp11.22.
Variant type: single nucleotide variant.
Coding change: c.10915+1G>A on transcript NM_031407.7 (MANE Select); the canonical splice donor site of the intron after coding-DNA position 10915, G replaced by A.
Molecular consequence: splice donor variant.
Genome position (GRCh38, 1-based): chrX:53,546,435, C>T on the plus strand (G>A on the coding strand, the complement: HUWE1 is on the minus strand). VCF-style: chrX-53546435-C-T. GRCh37 (hg19) VCF-style: chrX-53573396-C-T.
Identifiers: ClinVar variation 3361734 (VCV003361734.1).

ClinVar aggregate classification (germline): Uncertain significance (1 of 4 stars; one submission).

Submission:

GeneDx
Classification: Uncertain significance. Last evaluated: 2024-04-02. Review status: criteria provided, single submitter. Criteria: GeneDx Variant Classification Process June 2021. Collection method: clinical testing. Allele origin: germline. Affected: yes.
Comment: Not observed at significant frequency in large population cohorts (gnomAD); Canonical splice site variant in a gene for which loss-of-function is not a known mechanism of disease; Has not been previously published as pathogenic or benign to our knowledge